The following is an entry in ClinVar:

NM_001082486.2(ACD):c.1112A>T (p.Glu371Val)

Gene: ACD (ACD shelterin complex subunit and telomerase recruitment factor; minus strand). Cytogenetic location: 16q22.1.
Variant type: single nucleotide variant.
Coding change: c.1112A>T on transcript NM_001082486.2 (MANE Select); coding-DNA position 1112, A replaced by T.
Protein change: p.Glu371Val; replaces glutamic acid 371 with valine.
Molecular consequence: missense variant.
Genome position (GRCh38, 1-based): chr16:67,658,080, T>A on the plus strand (A>T on the coding strand, the complement: ACD is on the minus strand). VCF-style: chr16-67658080-T-A. GRCh37 (hg19) VCF-style: chr16-67691983-T-A.
Other names: c.1025A>T, p.Glu342Val (NM_001410884.1); c.1103A>T, p.Glu368Val (NM_022914.3); short protein forms E342V, E371V, E368V.
Identifiers: ClinVar variation 1771029 (VCV001771029.2), dbSNP rs775969589, ClinGen allele CA8114440.

ClinVar aggregate classification (germline): Uncertain significance (1 of 4 stars; one submission).

Conditions:
Inborn genetic diseases. Identifiers: MedGen C0950123, MeSH D030342.

Allele frequency attached by ClinVar (database versions not stated): ExAC 0.00001.

Submission:

Ambry Genetics
Classification: Uncertain significance for Inborn genetic diseases. Last evaluated: 2021-12-11. Review status: criteria provided, single submitter. Criteria: Ambry Variant Classification Scheme 2023. Collection method: clinical testing. Allele origin: germline.
Comment: The p.E457V variant (also known as c.1370A>T), located in coding exon 10 of the ACD gene, results from an A to T substitution at nucleotide position 1370. The glutamic acid at codon 457 is replaced by valine, an amino acid with dissimilar properties. This amino acid position is conserved. In addition, this alteration is predicted to be tolerated by in silico analysis. Since supporting evidence is limited at this time, the clinical significance of this alteration remains unclear.